The following is an entry in ClinVar:

NM_017635.5(KMT5B):c.2479GAT[1] (p.Asp828del)

Gene: KMT5B (lysine methyltransferase 5B; minus strand). Cytogenetic location: 11q13.2.
Variant type: Microsatellite.
Coding change: c.2479GAT[1] on transcript NM_017635.5 (MANE Select); one copy of the 3-base unit GAT starting at c.2479; the reference has two copies in a row; one copy, 3 bases deleted.
Protein change: p.Asp828del; deletes aspartic acid 828.
Molecular consequence: inframe deletion.
Genome position (GRCh38, 1-based): chr11:68,157,862-68,157,864, ATC deleted on the plus strand (GAT on the coding strand, the reverse complement: KMT5B is on the minus strand); deleting any 3 consecutive bases within chr11:68,157,862-68,157,867 gives the same sequence; the position shown is the placement nearest the transcript's 3' end. VCF-style (leftmost placement, unchanged base first): chr11-68157861-AATC-A. GRCh37 (hg19) VCF-style: chr11-67925328-AATC-A.
Other names: c.1963GAT[1], p.Asp656del (NM_001300907.1, NM_001369428.1, NM_001369429.1 and 4 more transcripts); c.1759GAT[1], p.Asp588del (NM_001300908.2); c.2479GAT[1], p.Asp828del (NM_001369426.1); short protein forms D588del, D656del, D828del.
Identifiers: ClinVar variation 4686092 (VCV004686092.1).

ClinVar aggregate classification (germline): Uncertain significance (1 of 4 stars; one submission).

Submission:

GeneDx
Classification: Uncertain significance. Last evaluated: 2025-07-18. Review status: criteria provided, single submitter. Criteria: GeneDx Variant Classification Process June 2021. Collection method: clinical testing. Allele origin: germline. Affected: yes.
Comment: In-frame deletion of 1 amino acid(s) in a non-repeat region; In silico analysis suggests that this variant does not alter protein structure/function; Has not been previously published as pathogenic or benign to our knowledge